The following is an entry in ClinVar:

ClinVar aggregate classification (germline): Uncertain significance (1 of 4 stars; one submission).

Allele frequency attached by ClinVar (database versions not stated): gnomAD exomes below 0.00001; TOPMed below 0.00001; ExAC 0.00001; gnomAD 0.00001; ESP Exome Variant Server 0.00008.
gnomAD v4.1: 5 of 1,614,048 alleles (0.00031%); highest among the groups gnomAD compares: Non-Finnish European, 0.00042%; no homozygotes.

Submission:

Labcorp Genetics (formerly Invitae), Labcorp
Classification: Uncertain significance. Last evaluated: 2022-01-26. Review status: criteria provided, single submitter. Criteria: Invitae Variant Classification Sherloc (09022015). Collection method: clinical testing. Allele origin: germline.
Comment: This variant has not been reported in the literature in individuals affected with SEC24D-related conditions. In summary, the available evidence is currently insufficient to determine the role of this variant in disease. Therefore, it has been classified as a Variant of Uncertain Significance. Algorithms developed to predict the effect of missense changes on protein structure and function are either unavailable or do not agree on the potential impact of this missense change (SIFT: "Not Available"; PolyPhen-2: "Probably Damaging"; Align-GVGD: "Not Available"). This variant is not present in population databases (gnomAD no frequency). This sequence change replaces glycine, which is neutral and non-polar, with arginine, which is basic and polar, at codon 240 of the SEC24D protein (p.Gly240Arg).

NM_014822.4(SEC24D):c.718G>C (p.Gly240Arg)

Gene: SEC24D (SEC24 homolog D, COPII component; minus strand). Cytogenetic location: 4q26.
Variant type: single nucleotide variant.
Coding change: c.718G>C on transcript NM_014822.4 (MANE Select); coding-DNA position 718, G replaced by C.
Protein change: p.Gly240Arg; replaces glycine 240 with arginine.
Molecular consequence: missense variant.
Genome position (GRCh38, 1-based): chr4:118,815,111, C>G on the plus strand (G>C on the coding strand, the complement: SEC24D is on the minus strand). VCF-style: chr4-118815111-C-G. GRCh37 (hg19) VCF-style: chr4-119736266-C-G.
Other names: c.721G>C, p.Gly241Arg (NM_001318066.2); short protein forms G240R, G241R.
Identifiers: ClinVar variation 2089892 (VCV002089892.4), dbSNP rs368554945, ClinGen allele CA3057463.